The following is an entry in ClinVar:

ClinVar aggregate classification (germline): Conflicting classifications of pathogenicity. Review status: criteria provided, conflicting classifications (1 of 4 stars). 2 submissions from 2 submitters: Uncertain significance (1); Likely benign (1). Last evaluated 2026-06-01.

Submissions (2):

CeGaT Center for Human Genetics Tuebingen
Classification: Uncertain significance. Last evaluated: 2026-06-01. Review status: criteria provided, single submitter. Criteria: CeGaT Center For Human Genetics Tuebingen Variant Classification Criteria Version 2. Collection method: clinical testing. Allele origin: germline. Affected: yes. Observed: 1 variant allele.
Comment: USH2A: PM2:Supporting, BP4

Labcorp Genetics (formerly Invitae), Labcorp
Classification: Likely benign. Last evaluated: 2023-06-02. Review status: criteria provided, single submitter. Criteria: Invitae Variant Classification Sherloc (09022015). Collection method: clinical testing. Allele origin: germline.

NM_206933.4(USH2A):c.15339G>A (p.Val5113=)

Gene: USH2A (usherin; minus strand). Cytogenetic location: 1q41.
Variant type: single nucleotide variant.
Coding change: c.15339G>A on transcript NM_206933.4 (MANE Select); coding-DNA position 15339, G replaced by A.
Protein change: p.Val5113=; no amino-acid change (valine 5113 retained).
Molecular consequence: synonymous variant.
Genome position (GRCh38, 1-based): chr1:215,628,994, C>T on the plus strand (G>A on the coding strand, the complement: USH2A is on the minus strand). VCF-style: chr1-215628994-C-T. GRCh37 (hg19) VCF-style: chr1-215802336-C-T.
Identifiers: ClinVar variation 1643162 (VCV001643162.10), dbSNP rs1321020096, ClinGen allele CA423424999.